The following is an entry in ClinVar:

NM_022726.4(ELOVL4):c.810C>G (p.Tyr270Ter)

Gene: ELOVL4 (ELOVL fatty acid elongase 4; minus strand). Cytogenetic location: 6q14.1.
Variant type: single nucleotide variant.
Coding change: c.810C>G on transcript NM_022726.4 (MANE Select); coding-DNA position 810, C replaced by G.
Protein change: p.Tyr270Ter; replaces tyrosine 270 with a stop codon.
Molecular consequence: nonsense.
Genome position (GRCh38, 1-based): chr6:79,916,743, G>C on the plus strand (C>G on the coding strand, the complement: ELOVL4 is on the minus strand). VCF-style: chr6-79916743-G-C. GRCh37 (hg19) VCF-style: chr6-80626460-G-C.
Other names: short protein forms Y270*.
Identifiers: ClinVar variation 4941 (VCV000004941.6), dbSNP rs104893946, ClinGen allele CA117148.

ClinVar aggregate classification (germline): Pathogenic/Likely pathogenic. Review status: criteria provided, multiple submitters, no conflicts (2 of 4 stars). 3 submissions from 3 submitters: Pathogenic (1); Likely pathogenic (1). 1 of the submissions does not count toward it. Last evaluated 2023-06-16.

Conditions:
Stargardt disease 3. Also called: MACULAR DYSTROPHY WITH FLECKS, TYPE 3; STARGARDT-LIKE MACULAR DYSTROPHY, AUTOSOMAL DOMINANT. Identifiers: Orphanet 827, MedGen C1838644, MONDO:0010819, OMIM 600110.

Submissions (3):

Labcorp Genetics (formerly Invitae), Labcorp
Classification: Pathogenic. Last evaluated: 2023-06-16. Review status: criteria provided, single submitter. Criteria: Invitae Variant Classification Sherloc (09022015). Collection method: clinical testing. Allele origin: germline.
Comment: For these reasons, this variant has been classified as Pathogenic. ClinVar contains an entry for this variant (Variation ID: 4941). This premature translational stop signal has been observed in individual(s) with clinical features of Stargardt-like macular degeneration (PMID: 15557430, 27116512, 34073554). It has also been observed to segregate with disease in related individuals. This variant is not present in population databases (gnomAD no frequency). This sequence change creates a premature translational stop signal (p.Tyr270*) in the ELOVL4 gene. While this is not anticipated to result in nonsense mediated decay, it is expected to disrupt the last 45 amino acid(s) of the ELOVL4 protein.

Institute of Medical Molecular Genetics, University of Zurich
Classification: Likely pathogenic for Stargardt disease 3. Last evaluated: 2021-01-30. Review status: criteria provided, single submitter. Criteria: ACMG Guidelines, 2015. Collection method: clinical testing. Allele origin: unknown. Affected: yes.

OMIM
Classification: Pathogenic for STARGARDT DISEASE 3. Last evaluated: 2004-12-01. Review status: no assertion criteria provided. Collection method: literature only. Allele origin: germline. Not counted in ClinVar's aggregate classification.

Literature cited by the submitters: PubMed 15557430 (cited by Labcorp Genetics (formerly Invitae), Labcorp and OMIM); PubMed 27116512 (cited by Labcorp Genetics (formerly Invitae), Labcorp); PubMed 34073554 (cited by Labcorp Genetics (formerly Invitae), Labcorp).